The following is an entry in ClinVar:

ClinVar aggregate classification (germline): Pathogenic (1 of 4 stars; one submission).

Conditions:
Fumarase deficiency (FMRD). Also called: Fumaric aciduria; Fumarate Hydratase Deficiency. Identifiers: Orphanet 24, MedGen C0342770, MONDO:0011730, OMIM 606812.

Submission:

Labcorp Genetics (formerly Invitae), Labcorp
Classification: Pathogenic for Fumarase deficiency. Last evaluated: 2019-07-19. Review status: criteria provided, single submitter. Criteria: Invitae Variant Classification Sherloc (09022015). Collection method: clinical testing. Allele origin: germline.
Comment: A gross deletion of the genomic region encompassing the full coding sequence of the FH gene has been identified. The boundaries of this event are unknown as the deletion extends beyond the assayed region for this gene and therefore may encompass additional genes. This variant has been observed in several families affected with hereditary leiomyomatosis and renal cell carcinoma (HLRCC) syndrome (PMID: 11865300, 28300276, 21398687, 12761039) and in a family affected with fumarate deficiency (PMID: 22069215). Loss-of-function variants in FH are known to be pathogenic (PMID: 11865300, 21398687). For these reasons, this variant has been classified as Pathogenic.

Literature cited by the submitters: PubMed 22069215; PubMed 28300276; PubMed 12761039; PubMed 11865300; PubMed 21398687.

NC_000001.11:g.(?_241497818)_(241519732_?)del

Genes: FH (fumarate hydratase; minus strand), LOC129932888 (ATAC-STARR-seq lymphoblastoid silent region 2007; plus strand). Cytogenetic location: 1q43.
Variant type: Deletion.
Identifiers: ClinVar variation 665629 (VCV000665629.2).